The following is an entry in ClinVar:

NM_001134407.3(GRIN2A):c.-18-87C>T

Gene: GRIN2A (glutamate ionotropic receptor NMDA type subunit 2A; minus strand). Cytogenetic location: 16p13.2.
Variant type: single nucleotide variant.
Coding change: c.-18-87C>T on transcript NM_001134407.3 (MANE Select); 87 bases into the intron before 18 bases upstream of the start codon, C replaced by T.
Molecular consequence: intron variant.
Genome position (GRCh38, 1-based): chr16:10,180,516, G>A on the plus strand (C>T on the coding strand, the complement: GRIN2A is on the minus strand). VCF-style: chr16-10180516-G-A. GRCh37 (hg19) VCF-style: chr16-10274373-G-A.
Other names: c.-18-87C>T (NM_001134408.2, NM_000833.5).
Identifiers: ClinVar variation 2646201 (VCV002646201.24), dbSNP rs183723414, ClinGen allele CA277616192.
Genomic context (GRCh38, chr16:10,180,516, plus strand): 5'-GCCGCGGTGAGCAAGGCGACCAGAAGAAAGGGATTACCAACTTGGCTTCCTGCTCTAGGA[G>A]CCAGGCATGGAACTCAGCAGCAGGATAGGCTGCTGGGATCACGGACTCCATTCCGAGTCC-3'

ClinVar aggregate classification (germline): Benign (1 of 4 stars; one submission).

Allele frequency attached by ClinVar (database versions not stated): gnomAD exomes 0.00005; gnomAD 0.00054; TOPMed 0.00057; 1000 Genomes Project 30x 0.00062; 1000 Genomes Project 0.00100.
gnomAD v4.1: 157 of 1,531,806 alleles (0.01%); highest among the groups gnomAD compares: African/African-American, 0.19%; no homozygotes.

Submission:

CeGaT Center for Human Genetics Tuebingen
Classification: Benign. Last evaluated: 2022-03-01. Review status: criteria provided, single submitter. Criteria: CeGaT Center For Human Genetics Tuebingen Variant Classification Criteria Version 2. Collection method: clinical testing. Allele origin: germline. Affected: yes. Observed: 1 variant allele.
Comment: GRIN2A: BS1, BS2